The following is an entry in ClinVar:

NM_001270.4(CHD1):c.3247A>G (p.Asn1083Asp)

Gene: CHD1 (chromodomain helicase DNA binding protein 1; minus strand). Cytogenetic location: 5q15.
Variant type: single nucleotide variant.
Coding change: c.3247A>G on transcript NM_001270.4 (MANE Select); coding-DNA position 3247, A replaced by G.
Protein change: p.Asn1083Asp; replaces asparagine 1083 with aspartic acid.
Molecular consequence: missense variant. On other transcripts: non-coding transcript variant (2).
Genome position (GRCh38, 1-based): chr5:98,876,549, T>C on the plus strand (A>G on the coding strand, the complement: CHD1 is on the minus strand). VCF-style: chr5-98876549-T-C. GRCh37 (hg19) VCF-style: chr5-98212253-T-C.
Other names: c.3247A>G, p.Asn1083Asp (NM_001364113.3, NM_001376194.2); short protein forms N1083D.
Identifiers: ClinVar variation 2630827 (VCV002630827.3), dbSNP rs1275876630, ClinGen allele CA360525084.

ClinVar aggregate classification (germline): Uncertain significance (0 of 4 stars; one submission).

Conditions:
CHD1-related disorder. Also called: CHD1-related condition.

Allele frequency attached by ClinVar (database versions not stated): gnomAD exomes below 0.00001; gnomAD 0.00001; TOPMed 0.00001.
gnomAD v4.1: 6 of 1,613,176 alleles (0.00037%); highest among the groups gnomAD compares: Non-Finnish European, 0.00051%; no homozygotes.

Submission:

PreventionGenetics, part of Exact Sciences
Classification: Uncertain significance for CHD1-related condition. Last evaluated: 2023-11-21. Review status: no assertion criteria provided. Collection method: clinical testing. Allele origin: germline.
Comment: The CHD1 c.3247A>G variant is predicted to result in the amino acid substitution p.Asn1083Asp. To our knowledge, this variant has not been reported in the literature or in a large population database, indicating this variant is rare. At this time, the clinical significance of this variant is uncertain due to the absence of conclusive functional and genetic evidence.